The following is an entry in ClinVar:

NM_015338.6(ASXL1):c.204G>A (p.Glu68=)

Gene: ASXL1 (ASXL transcriptional regulator 1; plus strand). Cytogenetic location: 20q11.21.
Variant type: single nucleotide variant.
Coding change: c.204G>A on transcript NM_015338.6 (MANE Select); coding-DNA position 204, G replaced by A.
Protein change: p.Glu68=; no amino-acid change (glutamic acid 68 retained).
Molecular consequence: synonymous variant.
Genome position (GRCh38, 1-based): chr20:32,369,075, G>A. VCF-style: chr20-32369075-G-A. GRCh37 (hg19) VCF-style: chr20-30956878-G-A.
Other names: c.204G>A, p.Glu68= (NM_001164603.1); c.174G>A, p.Glu58= (NM_001363734.1).
Identifiers: ClinVar variation 4158763 (VCV004158763.2).

ClinVar aggregate classification (germline): Likely benign. Review status: criteria provided, multiple submitters, no conflicts (2 of 4 stars). 2 submissions from 2 submitters: Likely benign (2). Last evaluated 2026-08-01.

Conditions:
Inborn genetic diseases. Identifiers: MedGen C0950123, MeSH D030342.

gnomAD v4.1: 2 of 1,614,096 alleles (0.00012%); highest among the groups gnomAD compares: Non-Finnish European, 0.00017%; no homozygotes.

Submissions (2):

CeGaT Center for Human Genetics Tuebingen
Classification: Likely benign. Last evaluated: 2026-08-01. Review status: criteria provided, single submitter. Criteria: CeGaT Center For Human Genetics Tuebingen Variant Classification Criteria Version 2. Collection method: clinical testing. Allele origin: germline. Affected: yes. Observed: 1 variant allele.
Comment: ASXL1: BP4, BP7

Ambry Genetics
Classification: Likely benign for Inborn genetic diseases. Last evaluated: 2025-08-08. Review status: criteria provided, single submitter. Criteria: Ambry Variant Classification Scheme 2023. Collection method: clinical testing. Allele origin: germline.